The following is an entry in ClinVar:

ClinVar aggregate classification (germline): Uncertain significance (1 of 4 stars; one submission).

Conditions:
Immunodeficiency 14 (IMD14A). Also called: Activated PI3K Delta Syndrome Type 1 (APDS1); p110-DELTA-ACTIVATING MUTATION CAUSING SENESCENT T CELLS, LYMPHADENOPATHY, AND IMMUNODEFICIENCY; IMMUNODEFICIENCY 14A WITH LYMPHOPROLIFERATION, AUTOSOMAL DOMINANT; ACTIVATED PI3K-DELTA SYNDROME 1. Identifiers: Orphanet 397596, Orphanet 693661, MedGen C5907821, MONDO:0014222, OMIM 615513.

Allele frequency attached by ClinVar (database versions not stated): TOPMed below 0.00001; gnomAD 0.00001; ExAC 0.00003.
gnomAD v4.1: 11 of 1,613,710 alleles (0.00068%); highest among the groups gnomAD compares: South Asian, 0.0033%; no homozygotes.

Submission:

Labcorp Genetics (formerly Invitae), Labcorp
Classification: Uncertain significance for Activated PI3K-delta syndrome. Last evaluated: 2023-02-17. Review status: criteria provided, single submitter. Criteria: Invitae Variant Classification Sherloc (09022015). Collection method: clinical testing. Allele origin: germline.
Comment: This variant has not been reported in the literature in individuals affected with PIK3CD-related conditions. This variant is present in population databases (rs752425885, gnomAD 0.003%). This sequence change affects codon 65 of the PIK3CD mRNA. It is a 'silent' change, meaning that it does not change the encoded amino acid sequence of the PIK3CD protein. In summary, the available evidence is currently insufficient to determine the role of this variant in disease. Therefore, it has been classified as a Variant of Uncertain Significance. Algorithms developed to predict the effect of sequence changes on RNA splicing suggest that this variant may create or strengthen a splice site.

NM_005026.5(PIK3CD):c.195C>T (p.Pro65=)

Gene: PIK3CD (phosphatidylinositol-4,5-bisphosphate 3-kinase catalytic subunit delta; plus strand). Cytogenetic location: 1p36.22.
Variant type: single nucleotide variant.
Coding change: c.195C>T on transcript NM_005026.5 (MANE Select); coding-DNA position 195, C replaced by T.
Protein change: p.Pro65=; no amino-acid change (proline 65 retained).
Molecular consequence: synonymous variant.
Genome position (GRCh38, 1-based): chr1:9,715,594, C>T. VCF-style: chr1-9715594-C-T. GRCh37 (hg19) VCF-style: chr1-9775652-C-T.
Other names: c.195C>T, p.Pro65= (NM_001350234.2, NM_001350235.1).
Identifiers: ClinVar variation 1939924 (VCV001939924.5), dbSNP rs752425885, ClinGen allele CA576811.